The following is an entry in ClinVar:

NM_004336.5(BUB1):c.1201G>A (p.Ala401Thr)

Gene: BUB1 (BUB1 mitotic checkpoint serine/threonine kinase; minus strand). Cytogenetic location: 2q13.
Variant type: single nucleotide variant.
Coding change: c.1201G>A on transcript NM_004336.5 (MANE Select); coding-DNA position 1201, G replaced by A.
Protein change: p.Ala401Thr; replaces alanine 401 with threonine.
Molecular consequence: missense variant.
Genome position (GRCh38, 1-based): chr2:110,661,598, C>T on the plus strand (G>A on the coding strand, the complement: BUB1 is on the minus strand). VCF-style: chr2-110661598-C-T. GRCh37 (hg19) VCF-style: chr2-111419175-C-T.
Other names: c.1141G>A, p.Ala381Thr (NM_001278616.2); c.1201G>A, p.Ala401Thr (NM_001278617.2); short protein forms A381T, A401T.
Identifiers: ClinVar variation 1747697 (VCV001747697.2), dbSNP rs191061147, ClinGen allele CA1828151.
Genomic context (GRCh38, chr2:110,661,598, plus strand): 5'-TGCCACTCACATCACTGTGATCTCTAGGACTACCTTCAGCTTACCCAGCATCTTTGCTGG[C>T]CACTGCAAACATGGAGTCTGTTACTGTCTGGGCTTTCAAAGGAACAGGAGGAGCAATGCT-3'
Protein context (NP_004327.1, residues 391-411): QTVTDSMFAV[Ala401Thr]SKDAGCVNKS

ClinVar aggregate classification (germline): Uncertain significance (1 of 4 stars; one submission).

Allele frequency attached by ClinVar (database versions not stated): gnomAD exomes below 0.00001; TOPMed below 0.00001; ExAC 0.00001; gnomAD 0.00001; 1000 Genomes Project 0.00020; 1000 Genomes Project 30x 0.00031.
gnomAD v4.1: 4 of 1,614,074 alleles (0.00025%); highest among the groups gnomAD compares: East Asian, 0.0089%; no homozygotes.

Submission:

Ambry Genetics
Classification: Uncertain significance. Last evaluated: 2022-10-04. Review status: criteria provided, single submitter. Criteria: Ambry Variant Classification Scheme 2023. Collection method: clinical testing. Allele origin: germline.
Comment: The p.A401T variant (also known as c.1201G>A), located in coding exon 10 of the BUB1 gene, results from a G to A substitution at nucleotide position 1201. The alanine at codon 401 is replaced by threonine, an amino acid with similar properties. This amino acid position is conserved. In addition, this alteration is predicted to be tolerated by in silico analysis. Since supporting evidence is limited at this time, the clinical significance of this alteration remains unclear.